The following is an entry in ClinVar:

ClinVar aggregate classification (germline): Likely pathogenic (1 of 4 stars; one submission).

Conditions:
Hereditary cancer-predisposing syndrome. Also called: Tumor predisposition; Hereditary Cancer Syndrome; Hereditary neoplastic syndrome; Neoplastic Syndromes, Hereditary. Identifiers: Orphanet 140162, MedGen C0027672, MeSH D009386, MONDO:0015356.

Submission:

Ambry Genetics
Classification: Likely pathogenic for Hereditary cancer-predisposing syndrome. Last evaluated: 2025-10-15. Review status: criteria provided, single submitter. Criteria: Ambry Variant Classification Scheme 2023. Collection method: clinical testing. Allele origin: germline.
Comment: The c.4479_4480insL1 likely pathogenic variant results from the insertion of an L1 element between nucleotides 4479 and 4480 in coding exon 29 of the ATM gene. Mobile element insertions contribute to pathogenicity by either disrupting the coding sequence or inducing aberrant splicing (Belancio VP et al. Semin. Cancer Biol. 2010 Aug;20:200-10; Deininger P et al. Genome Biol. 2011 Dec;12:236; van der Klift HM Hum Mutat. 2012 Jul;33(7):1051-5). Based on the majority of available evidence to date, this variant is likely to be pathogenic.

NM_000051.3:c.4479_4480insL1

Gene: ATM (ATM serine/threonine kinase; plus strand).
Variant type: Insertion.
Identifiers: ClinVar variation 2587806 (VCV002587806.3).